The following is an entry in ClinVar:

ClinVar aggregate classification (germline): Pathogenic (1 of 4 stars; one submission).

Conditions:
Hereditary cancer-predisposing syndrome. Also called: Neoplastic Syndromes, Hereditary; Tumor predisposition; Hereditary Cancer Syndrome; Hereditary neoplastic syndrome. Identifiers: Orphanet 140162, MedGen C0027672, MeSH D009386, MONDO:0015356.

Submission:

Ambry Genetics
Classification: Pathogenic for Hereditary cancer-predisposing syndrome. Last evaluated: 2021-09-16. Review status: criteria provided, single submitter. Criteria: Ambry Variant Classification Scheme 2023. Collection method: clinical testing. Allele origin: germline.
Comment: The c.6727dupT pathogenic mutation, located in coding exon 10 of the BRCA2 gene, results from a duplication of T at nucleotide position 6727, causing a translational frameshift with a predicted alternate stop codon (p.S2243Ffs*2). This alteration is expected to result in loss of function by premature protein truncation or nonsense-mediated mRNA decay. As such, this alteration is interpreted as a disease-causing mutation.

NM_000059.4(BRCA2):c.6727dup (p.Ser2243fs)

Gene: BRCA2 (BRCA2 DNA repair associated; plus strand). Cytogenetic location: 13q13.1.
Variant type: Duplication.
Coding change: c.6727dup on transcript NM_000059.4 (MANE Select); coding-DNA position 6727, one base duplicated (T; older notation c.6727dupT).
Protein change: p.Ser2243fs; shifts the reading frame from serine 2243.
Molecular consequence: frameshift variant.
Genome position (GRCh38, 1-based): chr13:32,341,082, T duplicated; the last of 2 consecutive T bases (chr13:32,341,081-32,341,082); duplicating either gives the same sequence. VCF-style (leftmost placement, unchanged base first): chr13-32341080-A-AT. GRCh37 (hg19) VCF-style: chr13-32915217-A-AT.
Other names: c.6727dup, p.Ser2243Phefs (NM_001406719.1, NM_001406720.1); c.6727dupT (NM_000059.3); short protein forms S2243fs.
Identifiers: ClinVar variation 1755107 (VCV001755107.2), dbSNP rs886039320, ClinGen allele CA2580088049.